The following is an entry in ClinVar:

ClinVar aggregate classification (germline): Uncertain significance (1 of 4 stars; one submission).

Conditions:
LAMA2-related muscular dystrophy (LAMA2-RD). Also called: Laminin alpha 2-related dystrophy. Identifiers: MedGen C5679788, MONDO:0100228.

Allele frequency attached by ClinVar (database versions not stated): TOPMed 0.00001.
gnomAD v4.1: 1 of 1,613,928 alleles (0.000062%); no homozygotes.

Submission:

Labcorp Genetics (formerly Invitae), Labcorp
Classification: Uncertain significance for LAMA2-related muscular dystrophy. Last evaluated: 2022-04-20. Review status: criteria provided, single submitter. Criteria: Invitae Variant Classification Sherloc (09022015). Collection method: clinical testing. Allele origin: germline.
Comment: This variant has not been reported in the literature in individuals affected with LAMA2-related conditions. This variant is not present in population databases (gnomAD no frequency). This sequence change replaces glycine, which is neutral and non-polar, with aspartic acid, which is acidic and polar, at codon 2064 of the LAMA2 protein (p.Gly2064Asp). Advanced modeling of protein sequence and biophysical properties (such as structural, functional, and spatial information, amino acid conservation, physicochemical variation, residue mobility, and thermodynamic stability) performed at Invitae indicates that this missense variant is not expected to disrupt LAMA2 protein function. In summary, the available evidence is currently insufficient to determine the role of this variant in disease. Therefore, it has been classified as a Variant of Uncertain Significance.

NM_000426.4(LAMA2):c.6191G>A (p.Gly2064Asp)

Genes: LAMA2 (laminin subunit alpha 2; plus strand), LOC123864065 (Sharpr-MPRA regulatory region 661; plus strand). Cytogenetic location: 6q22.33.
Variant type: single nucleotide variant.
Coding change: c.6191G>A on transcript NM_000426.4 (MANE Select); coding-DNA position 6191, G replaced by A.
Protein change: p.Gly2064Asp; replaces glycine 2064 with aspartic acid.
Molecular consequence: missense variant.
Genome position (GRCh38, 1-based): chr6:129,440,921, G>A. VCF-style: chr6-129440921-G-A. GRCh37 (hg19) VCF-style: chr6-129762066-G-A.
Other names: c.6191G>A, p.Gly2064Asp (NM_001079823.2); short protein forms G2064D.
Identifiers: ClinVar variation 2426798 (VCV002426798.5), dbSNP rs1782077619, ClinGen allele CA365629389.